The following is an entry in ClinVar:

NM_006031.6(PCNT):c.68G>T (p.Arg23Leu)

Genes: PCNT (pericentrin; plus strand), LOC128092249 (uncharacterized LOC128092249; plus strand). Cytogenetic location: 21q22.3.
Variant type: single nucleotide variant.
Coding change: c.68G>T on transcript NM_006031.6 (MANE Select); coding-DNA position 68, G replaced by T.
Protein change: p.Arg23Leu; replaces arginine 23 with leucine.
Molecular consequence: missense variant. On other transcripts: 5 prime UTR variant (1).
Genome position (GRCh38, 1-based): chr21:46,326,390, G>T. VCF-style: chr21-46326390-G-T. GRCh37 (hg19) VCF-style: chr21-47746304-G-T.
Other names: c.103G>T, p.Asp35Tyr (NM_001414902.1); c.-287G>T (NM_001315529.2); short protein forms D35Y, R23L.
Identifiers: ClinVar variation 4987798 (VCV004987798.1).

ClinVar aggregate classification (germline): Uncertain significance (1 of 4 stars; one submission).

Conditions:
PCNT-related disorder. Also called: PCNT-related condition.

gnomAD v4.1: 2 of 1,613,942 alleles (0.00012%); highest among the groups gnomAD compares: African/African-American, 0.0013%; no homozygotes.

Submission:

PreventionGenetics, part of Exact Sciences
Classification: Uncertain significance for PCNT-related condition. Last evaluated: 2024-10-19. Review status: criteria provided, single submitter. Criteria: ACMG Guidelines, 2015. Collection method: clinical testing. Allele origin: germline.
Comment: The PCNT c.68G>T variant is predicted to result in the amino acid substitution p.Arg23Leu. To our knowledge, this variant has not been reported in the literature or in a large population database (gnomAD), indicating this variant is rare. At this time, the clinical significance of this variant is uncertain due to the absence of conclusive functional and genetic evidence.